The following is an entry in ClinVar:

NM_001615.4(ACTG2):c.968C>T (p.Pro323Leu)

Gene: ACTG2 (actin gamma 2, smooth muscle; plus strand). Cytogenetic location: 2p13.1.
Variant type: single nucleotide variant.
Coding change: c.968C>T on transcript NM_001615.4 (MANE Select); coding-DNA position 968, C replaced by T.
Protein change: p.Pro323Leu; replaces proline 323 with leucine.
Molecular consequence: missense variant.
Genome position (GRCh38, 1-based): chr2:73,916,746, C>T. VCF-style: chr2-73916746-C-T. GRCh37 (hg19) VCF-style: chr2-74143873-C-T.
Other names: c.839C>T, p.Pro280Leu (NM_001199893.2); short protein forms P280L, P323L.
Identifiers: ClinVar variation 1047916 (VCV001047916.2), dbSNP rs2104825201, ClinGen allele CA347304906.

ClinVar aggregate classification (germline): Likely pathogenic (1 of 4 stars; one submission).

Conditions:
Chronic intestinal pseudoobstruction. Also called: Chronic Intestinal Pseudoobstruction (CIPO). Identifiers: Orphanet 2978, MedGen C0238062, MONDO:0017574.

Submission:

Aleixo Muise Laboratory, Hospital For Sick Children
Classification: Likely pathogenic for Chronic intestinal pseudoobstruction. Last evaluated: 2021-03-18. Review status: criteria provided, single submitter. Criteria: ACMG Guidelines, 2015. Collection method: research. Allele origin: maternal. Inheritance: Autosomal dominant inheritance. Affected: yes. Observed: 1 variant allele, 1 heterozygote.
Comment: Dominantly acting mutations in ACTG2 are associated with CIPO and MMIHS. Both missense and LOF variants in ACTG2 are poorly tolerated (gnomAD constraint metrics). This variant is rare and is not reported in gnomAD (v2) or BRAVO (v8) and is predicted to be pathogenic by multiple in silico computational methods. It maps to a highly conserved 'PSTM' loop in subdomain3 of the solved ACTG2 protein structure. In other Actin family members this loop of the protein forms part of the longitudinal interface by which monomeric Actin subunits interact to form polymerized filamentous Actin.